The following is an entry in ClinVar:

ClinVar aggregate classification (germline): Uncertain significance. Review status: criteria provided, multiple submitters, no conflicts (2 of 4 stars). 4 submissions from 4 submitters: Uncertain significance (3). 1 of the submissions does not count toward it. Last evaluated 2024-09-26.

Conditions:
Fanconi anemia (FA). Also called: Fanconi's anemia. Identifiers: Orphanet 84, MedGen C0015625, MeSH D005199, MONDO:0019391.
Fanconi anemia complementation group G. Also called: FANCG-Related Fanconi Anemia; Fanconi anemia group G. Identifiers: Orphanet 84, MedGen C3469527, MONDO:0013565, OMIM 614082.

Allele frequency attached by ClinVar (database versions not stated): gnomAD 0.00002 and 0.00005; TOPMed 0.00003; ExAC 0.00005; gnomAD exomes 0.00005 and 0.00011; 1000 Genomes Project 30x 0.00016; 1000 Genomes Project 0.00020.
gnomAD v4.1: 157 of 1,614,202 alleles (0.0097%); highest among the groups gnomAD compares: East Asian, 0.35%; 2 homozygotes.

Submissions (4):

Labcorp Genetics (formerly Invitae), Labcorp
Classification: Uncertain significance for Fanconi anemia. Last evaluated: 2024-09-26. Review status: criteria provided, single submitter. Criteria: Invitae Variant Classification Sherloc (09022015). Collection method: clinical testing. Allele origin: germline.
Comment: This sequence change replaces alanine, which is neutral and non-polar, with glycine, which is neutral and non-polar, at codon 153 of the FANCG protein (p.Ala153Gly). This variant is present in population databases (rs200074432, gnomAD 0.06%). This missense change has been observed in individual(s) with refractory anemia without leukopenia or thrombocytopenia (PMID: 30031030). ClinVar contains an entry for this variant (Variation ID: 662991). Invitae Evidence Modeling of protein sequence and biophysical properties (such as structural, functional, and spatial information, amino acid conservation, physicochemical variation, residue mobility, and thermodynamic stability) indicates that this missense variant is not expected to disrupt FANCG protein function with a negative predictive value of 80%. Experimental studies have shown that this missense change does not substantially affect FANCG function (PMID: 30031030). In summary, the available evidence is currently insufficient to determine the role of this variant in disease. Therefore, it has been classified as a Variant of Uncertain Significance.

3billion
Classification: Uncertain significance for Fanconi anemia complementation group G. Last evaluated: 2023-06-19. Review status: criteria provided, single submitter. Criteria: ACMG Guidelines, 2015. Collection method: clinical testing. Allele origin: germline. Affected: yes.
Comment: The variant is observed at an extremely low frequency in the gnomAD v2.1.1 dataset (total allele frequency: 0.005%). Predicted Consequence/Location: Missense variant In silico tool predictions suggest no damaging effect of the variant on gene or gene product (REVEL: 0.04; 3Cnet: 0.06). Therefore, this variant is classified as VUS according to the recommendation of ACMG/AMP guideline.

Illumina Laboratory Services, Illumina
Classification: Uncertain significance for Fanconi anemia complementation group G. Last evaluated: 2018-01-13. Review status: criteria provided, single submitter. Criteria: ICSL Variant Classification Criteria 13 December 2019. Collection method: clinical testing. Allele origin: germline.

Natera, Inc.
Classification: Uncertain significance for Fanconi anemia group G. Last evaluated: 2020-02-15. Review status: no assertion criteria provided. Collection method: clinical testing. Allele origin: germline. Not counted in ClinVar's aggregate classification.

Literature cited by the submitters: PubMed 30031030 (cited by Labcorp Genetics (formerly Invitae), Labcorp).

NM_004629.2(FANCG):c.458C>G (p.Ala153Gly)

Gene: FANCG (FA complementation group G; minus strand). Cytogenetic location: 9p13.3.
Variant type: single nucleotide variant.
Coding change: c.458C>G on transcript NM_004629.2 (MANE Select); coding-DNA position 458, C replaced by G.
Protein change: p.Ala153Gly; replaces alanine 153 with glycine.
Molecular consequence: missense variant.
Genome position (GRCh38, 1-based): chr9:35,078,193, G>C on the plus strand (C>G on the coding strand, the complement: FANCG is on the minus strand). VCF-style: chr9-35078193-G-C. GRCh37 (hg19) VCF-style: chr9-35078190-G-C.
Other names: short protein forms A153G.
Identifiers: ClinVar variation 662991 (VCV000662991.11), dbSNP rs200074432, ClinGen allele CA5040043.